The following is an entry in ClinVar:

ClinVar aggregate classification (germline): Likely benign. Review status: criteria provided, multiple submitters, no conflicts (2 of 4 stars). 2 submissions from 2 submitters: Likely benign (2). Last evaluated 2024-09-09.

Conditions:
Inborn genetic diseases. Identifiers: MedGen C0950123, MeSH D030342.

Allele frequency attached by ClinVar (database versions not stated): gnomAD exomes 0.00002 and 0.00007; TOPMed 0.00004; gnomAD 0.00005; ExAC 0.00006.
gnomAD v4.1: 43 of 1,612,132 alleles (0.0027%); highest among the groups gnomAD compares: Admixed American, 0.028%; no homozygotes.

Submissions (2):

Ambry Genetics
Classification: Likely benign for Inborn genetic diseases. Last evaluated: 2024-09-09. Review status: criteria provided, single submitter. Criteria: Ambry Variant Classification Scheme 2023. Collection method: clinical testing. Allele origin: germline.

CeGaT Center for Human Genetics Tuebingen
Classification: Likely benign. Last evaluated: 2022-06-01. Review status: criteria provided, single submitter. Criteria: CeGaT Center For Human Genetics Tuebingen Variant Classification Criteria Version 2. Collection method: clinical testing. Allele origin: germline. Affected: yes. Observed: 1 variant allele.
Comment: CERT1: BP4

NM_001379029.1(CERT1):c.1115A>G (p.Tyr372Cys)

Gene: CERT1 (ceramide transporter 1; minus strand). Cytogenetic location: 5q13.3.
Variant type: single nucleotide variant.
Coding change: c.1115A>G on transcript NM_001379029.1 (MANE Select); coding-DNA position 1115, A replaced by G.
Protein change: p.Tyr372Cys; replaces tyrosine 372 with cysteine.
Molecular consequence: missense variant. On other transcripts: intron variant (3).
Genome position (GRCh38, 1-based): chr5:75,399,383, T>C on the plus strand (A>G on the coding strand, the complement: CERT1 is on the minus strand). VCF-style: chr5-75399383-T-C. GRCh37 (hg19) VCF-style: chr5-74695208-T-C.
Other names: c.1499A>G, p.Tyr500Cys (NM_001130105.1); c.1115A>G, p.Tyr372Cys (NM_001379002.1, NM_005713.3); c.1110+822A>G (NM_001379003.1, NM_031361.3, NM_001379004.1); short protein forms Y372C, Y500C.
Identifiers: ClinVar variation 1695131 (VCV001695131.32), dbSNP rs371039682, ClinGen allele CA3309103.